The following is an entry in ClinVar:

ClinVar aggregate classification (germline): Pathogenic (1 of 4 stars; one submission).

Submission:

Labcorp Genetics (formerly Invitae), Labcorp
Classification: Pathogenic. Last evaluated: 2021-09-06. Review status: criteria provided, single submitter. Criteria: Invitae Variant Classification Sherloc (09022015). Collection method: clinical testing. Allele origin: germline.
Comment: For these reasons, this variant has been classified as Pathogenic. This variant disrupts a region of the LMX1B protein in which other variant(s) (p.Tyr136_Cys140del) have been determined to be pathogenic (Invitae). This suggests that this is a clinically significant region of the protein, and that variants that disrupt it are likely to be disease-causing. A similar copy number variant has been observed in individual(s) with nail-patella syndrome (PMID: 18414507). This variant is a gross deletion of the genomic region encompassing exon(s) 3-8 of the LMX1B gene, which includes the termination codon. This deletion extends beyond the assayed region for this gene and therefore may encompass additional genes. While this deletion is not anticipated to lead to nonsense mediated decay, it is expected to alter mRNA translation or result in a truncated protein product.

Literature cited by the submitters: PubMed 18414507.

NC_000009.11:g.(?_129453095)_(129458730_?)del

Gene: LMX1B (LIM homeobox transcription factor 1 beta; plus strand). Cytogenetic location: 9q33.3.
Variant type: Deletion.
Identifiers: ClinVar variation 1459797 (VCV001459797.4).